The following is an entry in ClinVar:

ClinVar aggregate classification (germline): Benign. Review status: criteria provided, multiple submitters, no conflicts (2 of 4 stars). 5 submissions from 5 submitters: Benign (5). Last evaluated 2026-02-02.

Conditions:
Charcot-Marie-Tooth disease type 2. Also called: Charcot-Marie-Tooth type 2. Identifiers: Orphanet 64746, MedGen C0270914, MONDO:0018993.
Charcot-Marie-Tooth disease. Also called: Charcot-Marie-Tooth Neuropathy; Charcot-Marie-Tooth Hereditary Neuropathy. Identifiers: Orphanet 166, MedGen C0007959, MONDO:0015626.

Allele frequency attached by ClinVar (database versions not stated): ExAC 0.01373; TOPMed 0.04882; 1000 Genomes Project 0.05192; ESP Exome Variant Server 0.04721; gnomAD exomes 0.01120; 1000 Genomes Project 30x 0.05372.
gnomAD v4.1: 13,078 of 1,614,022 alleles (0.81%); highest among the groups gnomAD compares: African/African-American, 15%; 818 homozygotes.

Submissions (5):

Labcorp Genetics (formerly Invitae), Labcorp
Classification: Benign for Charcot-Marie-Tooth disease type 2. Last evaluated: 2026-02-02. Review status: criteria provided, single submitter. Criteria: Invitae Variant Classification Sherloc (09022015). Collection method: clinical testing. Allele origin: germline.

GeneDx
Classification: Benign. Last evaluated: 2014-02-04. Review status: criteria provided, single submitter. Criteria: GeneDx Variant Classification (06012015). Collection method: clinical testing. Allele origin: germline. Affected: yes.
Comment: This variant is considered likely benign or benign based on one or more of the following criteria: it is a conservative change, it occurs at a poorly conserved position in the protein, it is predicted to be benign by multiple in silico algorithms, and/or has population frequency not consistent with disease.

Breakthrough Genomics
Classification: Benign. Review status: criteria provided, single submitter. Criteria: ACMG Guidelines, 2015. Collection method: not provided. Allele origin: germline. Inheritance: Autosomal recessive inheritance. Affected: yes.

Molecular Genetics Laboratory, London Health Sciences Centre
Classification: Benign for Charcot-Marie-Tooth disease. Review status: criteria provided, single submitter. Criteria: ACMG Guidelines, 2015. Collection method: clinical testing. Allele origin: germline. Affected: yes.

PreventionGenetics, part of Exact Sciences
Classification: Benign. Review status: criteria provided, single submitter. Criteria: ACMG Guidelines, 2015. Collection method: clinical testing. Allele origin: germline.

NM_014874.4(MFN2):c.1039-19G>A

Gene: MFN2 (mitofusin 2; plus strand). Cytogenetic location: 1p36.22.
Variant type: single nucleotide variant.
Coding change: c.1039-19G>A on transcript NM_014874.4 (MANE Select); 19 bases into the intron before coding-DNA position 1039, G replaced by A.
Molecular consequence: intron variant.
Genome position (GRCh38, 1-based): chr1:12,001,963, G>A. VCF-style: chr1-12001963-G-A. GRCh37 (hg19) VCF-style: chr1-12062020-G-A.
Other names: c.1039-19G>A (NM_001127660.2).
Identifiers: ClinVar variation 138213 (VCV000138213.12), dbSNP rs74052923, ClinGen allele CA292070.